The following is an entry in ClinVar:

ClinVar aggregate classification (germline): Uncertain significance (1 of 4 stars; one submission).

Conditions:
Pitt-Hopkins-like syndrome 2 (PTHSL2). Identifiers: Orphanet 221150, Orphanet 600663, MedGen C3280479, MONDO:0013690, OMIM 614325.

gnomAD v4.1: 3 of 1,613,398 alleles (0.00019%); highest among the groups gnomAD compares: East Asian, 0.0022%; no homozygotes.

Submission:

Labcorp Genetics (formerly Invitae), Labcorp
Classification: Uncertain significance for Pitt-Hopkins-like syndrome 2. Last evaluated: 2024-10-22. Review status: criteria provided, single submitter. Criteria: Invitae Variant Classification Sherloc (09022015). Collection method: clinical testing. Allele origin: germline.
Comment: This sequence change replaces asparagine, which is neutral and polar, with serine, which is neutral and polar, at codon 365 of the NRXN1 protein (p.Asn365Ser). This variant is present in population databases (rs768727769, gnomAD 0.006%). This variant has not been reported in the literature in individuals affected with NRXN1-related conditions. An algorithm developed to predict the effect of missense changes on protein structure and function (PolyPhen-2) suggests that this variant is likely to be disruptive. In summary, the available evidence is currently insufficient to determine the role of this variant in disease. Therefore, it has been classified as a Variant of Uncertain Significance.

NM_001330078.2(NRXN1):c.995A>G (p.Asn332Ser)

Gene: NRXN1 (neurexin 1; minus strand). Cytogenetic location: 2p16.3.
Variant type: single nucleotide variant.
Coding change: c.995A>G on transcript NM_001330078.2 (MANE Select); coding-DNA position 995, A replaced by G.
Protein change: p.Asn332Ser; replaces asparagine 332 with serine.
Molecular consequence: missense variant.
Genome position (GRCh38, 1-based): chr2:50,623,453, T>C on the plus strand (A>G on the coding strand, the complement: NRXN1 is on the minus strand). VCF-style: chr2-50623453-T-C. GRCh37 (hg19) VCF-style: chr2-50850591-T-C.
Other names: c.1094A>G, p.Asn365Ser (NM_001135659.3); c.995A>G, p.Asn332Ser (NM_001330077.2, NM_001330082.2, NM_001330085.2 and 3 more transcripts); c.935A>G, p.Asn312Ser (NM_001330083.2, NM_001330084.2, NM_001330087.2 and 1 more transcripts); c.965A>G, p.Asn322Ser (NM_001330088.2); c.992A>G, p.Asn331Ser (NM_001330093.2); c.983A>G, p.Asn328Ser (NM_001330094.2); short protein forms N365S, N328S, N322S, N312S, N331S, N332S.
Identifiers: ClinVar variation 3684331 (VCV003684331.2).